The following is an entry in ClinVar:

NM_000836.4(GRIN2D):c.760G>A (p.Glu254Lys)

Gene: GRIN2D (glutamate ionotropic receptor NMDA type subunit 2D; plus strand). Cytogenetic location: 19q13.33.
Variant type: single nucleotide variant.
Coding change: c.760G>A on transcript NM_000836.4 (MANE Select); coding-DNA position 760, G replaced by A.
Protein change: p.Glu254Lys; replaces glutamic acid 254 with lysine.
Molecular consequence: missense variant.
Genome position (GRCh38, 1-based): chr19:48,405,028, G>A. VCF-style: chr19-48405028-G-A. GRCh37 (hg19) VCF-style: chr19-48908285-G-A.
Other names: c.760G>A (NM_000836.2); short protein forms E254K.
Identifiers: ClinVar variation 2973748 (VCV002973748.4), dbSNP rs182928265, ClinGen allele CA9550386.

ClinVar aggregate classification (germline): Uncertain significance. Review status: criteria provided, multiple submitters, no conflicts (2 of 4 stars). 2 submissions from 2 submitters: Uncertain significance (2). Last evaluated 2025-02-26.

Conditions:
Inborn genetic diseases. Identifiers: MedGen C0950123, MeSH D030342.

Allele frequency attached by ClinVar (database versions not stated): TOPMed below 0.00001; ExAC 0.00001; gnomAD 0.00001; gnomAD exomes 0.00001; 1000 Genomes Project 30x 0.00016; 1000 Genomes Project 0.00020.
gnomAD v4.1: 19 of 1,612,026 alleles (0.0012%); highest among the groups gnomAD compares: Non-Finnish European, 0.0016%; no homozygotes.

Submissions (2):

Ambry Genetics
Classification: Uncertain significance for Inborn genetic diseases. Last evaluated: 2025-02-26. Review status: criteria provided, single submitter. Criteria: Ambry Variant Classification Scheme 2023. Collection method: clinical testing. Allele origin: germline.

Labcorp Genetics (formerly Invitae), Labcorp
Classification: Uncertain significance. Last evaluated: 2023-02-28. Review status: criteria provided, single submitter. Criteria: Invitae Variant Classification Sherloc (09022015). Collection method: clinical testing. Allele origin: germline.
Comment: This sequence change replaces glutamic acid, which is acidic and polar, with lysine, which is basic and polar, at codon 254 of the GRIN2D protein (p.Glu254Lys). In summary, the available evidence is currently insufficient to determine the role of this variant in disease. Therefore, it has been classified as a Variant of Uncertain Significance. Advanced modeling of protein sequence and biophysical properties (such as structural, functional, and spatial information, amino acid conservation, physicochemical variation, residue mobility, and thermodynamic stability) performed at Invitae indicates that this missense variant is not expected to disrupt GRIN2D protein function. This variant has not been reported in the literature in individuals affected with GRIN2D-related conditions. This variant is present in population databases (rs182928265, gnomAD 0.001%).